The following is an entry in ClinVar:

ClinVar aggregate classification (germline): Uncertain significance. Review status: criteria provided, multiple submitters, no conflicts (2 of 4 stars). 10 submissions from 10 submitters: Uncertain significance (9). 1 of the submissions does not count toward it. Last evaluated 2025-12-17.

Conditions:
ATM-related disorder. Also called: ATM-related disorders; ATM-related condition.
Hereditary cancer-predisposing syndrome. Also called: Neoplastic Syndromes, Hereditary; Tumor predisposition; Hereditary Cancer Syndrome; Hereditary neoplastic syndrome. Identifiers: Orphanet 140162, MedGen C0027672, MeSH D009386, MONDO:0015356.
Familial cancer of breast. Also called: hereditary breast carcinoma; BREAST CANCER, FAMILIAL; Hereditary breast cancer. Identifiers: Orphanet 227535, MedGen C0346153, MONDO:0016419, OMIM 114480. Disease mechanism: loss of function.
Ataxia-telangiectasia syndrome (AT). Also called: Cerebello-oculocutaneous telangiectasia; Immunodeficiency with ataxia telangiectasia; ATAXIA-TELANGIECTASIA, COMPLEMENTATION GROUP A; ATAXIA-TELANGIECTASIA, FRESNO VARIANT; Ataxia-telangiectasia; Ataxia-telangiectasia, complementation group E. Identifiers: Orphanet 100, MedGen C0004135, MONDO:0008840, OMIM 208900.

Allele frequency attached by ClinVar (database versions not stated): gnomAD exomes 0.00001; TOPMed 0.00001.
gnomAD v4.1: 7 of 1,613,380 alleles (0.00043%); highest among the groups gnomAD compares: Non-Finnish European, 0.00059%; no homozygotes.

Submissions (10):

PreventionGenetics, part of Exact Sciences
Classification: Uncertain significance for ATM-related condition. Last evaluated: 2025-12-17. Review status: criteria provided, single submitter. Criteria: ACMG Guidelines, 2015. Collection method: clinical testing. Allele origin: germline.
Comment: The ATM c.221G>A variant is predicted to result in the amino acid substitution p.Cys74Tyr. To our knowledge, this variant has not been reported in the literature or in a large population database (gnomAD), indicating this variant is rare. It is classified as uncertain in ClinVar (Variation ID: 220412). At this time, the clinical significance of this variant is uncertain due to the absence of conclusive functional and genetic evidence.

Labcorp Genetics (formerly Invitae), Labcorp
Classification: Uncertain significance for Ataxia-telangiectasia syndrome. Last evaluated: 2024-10-13. Review status: criteria provided, single submitter. Criteria: Invitae Variant Classification Sherloc (09022015). Collection method: clinical testing. Allele origin: germline.
Comment: This sequence change replaces cysteine, which is neutral and slightly polar, with tyrosine, which is neutral and polar, at codon 74 of the ATM protein (p.Cys74Tyr). This variant is not present in population databases (gnomAD no frequency). This variant has not been reported in the literature in individuals affected with ATM-related conditions. ClinVar contains an entry for this variant (Variation ID: 220412). Invitae Evidence Modeling of protein sequence and biophysical properties (such as structural, functional, and spatial information, amino acid conservation, physicochemical variation, residue mobility, and thermodynamic stability) indicates that this missense variant is not expected to disrupt ATM protein function with a negative predictive value of 95%. In summary, the available evidence is currently insufficient to determine the role of this variant in disease. Therefore, it has been classified as a Variant of Uncertain Significance.

Blueprint Genetics
Classification: Uncertain significance. Last evaluated: 2024-07-01. Review status: criteria provided, single submitter. Criteria: ACMG Guidelines, 2015. Collection method: clinical testing. Allele origin: germline.

Athena Diagnostics
Classification: Uncertain significance. Last evaluated: 2024-03-15. Review status: criteria provided, single submitter. Criteria: Athena Diagnostics Criteria. Collection method: clinical testing. Allele origin: unknown.
Comment: Available data are insufficient to determine the clinical significance of the variant at this time. This variant has not been reported in large, multi-ethnic general populations. Computational tools predict that this variant is not damaging.

Color Diagnostics, LLC DBA Color Health
Classification: Uncertain significance for Hereditary cancer-predisposing syndrome. Last evaluated: 2024-03-06. Review status: criteria provided, single submitter. Criteria: ACMG Guidelines, 2015. Collection method: clinical testing. Allele origin: germline.
Comment: This missense variant replaces cysteine with tyrosine at codon 74 of the ATM protein. Computational prediction suggests that this variant may not impact protein structure and function (internally defined REVEL score threshold <= 0.5, PMID: 27666373). To our knowledge, functional studies have not been reported for this variant. This variant has not been reported in individuals affected with hereditary cancer in the literature. This variant has not been identified in the general population by the Genome Aggregation Database (gnomAD). The available evidence is insufficient to determine the role of this variant in disease conclusively. Therefore, this variant is classified as a Variant of Uncertain Significance.

Baylor Genetics
Classification: Uncertain significance for Familial cancer of breast. Last evaluated: 2024-02-27. Review status: criteria provided, single submitter. Criteria: ACMG Guidelines, 2015. Collection method: clinical testing. Allele origin: unknown.

Ambry Genetics
Classification: Uncertain significance for Hereditary cancer-predisposing syndrome. Last evaluated: 2024-01-01. Review status: criteria provided, single submitter. Criteria: Ambry Variant Classification Scheme 2023. Collection method: clinical testing. Allele origin: germline.
Comment: The p.C74Y variant (also known as c.221G>A), located in coding exon 3 of the ATM gene, results from a G to A substitution at nucleotide position 221. The cysteine at codon 74 is replaced by tyrosine, an amino acid with highly dissimilar properties. This amino acid position is not well conserved in available vertebrate species. In addition, this alteration is predicted to be tolerated by in silico analysis. Since supporting evidence is limited at this time, the clinical significance of this alteration remains unclear.

Sema4
Classification: Uncertain significance for Hereditary cancer-predisposing syndrome. Last evaluated: 2021-10-20. Review status: criteria provided, single submitter. Criteria: Sema4 Curation Guidelines. Collection method: curation. Allele origin: germline.
Comment: The ATM c.221G>A (p.C74Y) variant has not been reported in the literature to our knowledge. It was not observed in the large and broad cohorts of the Genome Aggregation Database (PMID: 32461654). This variant has been reported in ClinVar (Variation ID: 220412). Functional studies have not been performed, and in silico predictions of the variant's effect on protein function are inconclusive. The evidence is insufficient to meet ACMG/AMP criteria for classifying the variant as benign or pathogenic. Thus, the clinical significance of this variant is currently uncertain.

Illumina Laboratory Services, Illumina
Classification: Uncertain significance for Ataxia-telangiectasia syndrome. Last evaluated: 2018-01-13. Review status: criteria provided, single submitter. Criteria: ICSL Variant Classification Criteria 13 December 2019. Collection method: clinical testing. Allele origin: germline.

Natera, Inc.
Classification: Uncertain significance for Ataxia-telangiectasia. Last evaluated: 2020-04-07. Review status: no assertion criteria provided. Collection method: clinical testing. Allele origin: germline. Not counted in ClinVar's aggregate classification.

NM_000051.4(ATM):c.221G>A (p.Cys74Tyr)

Gene: ATM (ATM serine/threonine kinase; plus strand). Cytogenetic location: 11q22.3.
Variant type: single nucleotide variant.
Coding change: c.221G>A on transcript NM_000051.4 (MANE Select); coding-DNA position 221, G replaced by A.
Protein change: p.Cys74Tyr; replaces cysteine 74 with tyrosine.
Molecular consequence: missense variant.
Genome position (GRCh38, 1-based): chr11:108,229,213, G>A. VCF-style: chr11-108229213-G-A. GRCh37 (hg19) VCF-style: chr11-108099940-G-A.
Other names: c.221G>A, p.Cys74Tyr (NM_001351834.2, NM_001351835.2, NM_001351836.2); short protein forms C74Y.
Identifiers: ClinVar variation 220412 (VCV000220412.28), dbSNP rs864622515, ClinGen allele CA348606.
Genomic context (GRCh38, chr11:108,229,213, plus strand): 5'-GAAATTGCATTTTGTTTTCTTGAAGATTTTTACAGAAATATATTCAGAAAGAAACAGAAT[G>A]TCTGAGAATAGCAAAACCAAATGTATCAGCCTCAACACAAGCCTCCAGGCAGAAAAAGAT-3'
Protein context (NP_000042.3, residues 64-84): LQKYIQKETE[Cys74Tyr]LRIAKPNVSA